The following is an entry in ClinVar:

ClinVar aggregate classification (germline): Likely pathogenic. Review status: criteria provided, multiple submitters, no conflicts (2 of 4 stars). 2 submissions from 2 submitters: Likely pathogenic (2). Last evaluated 2025-07-15.

Conditions:
Glycine encephalopathy 1 (GCE1). Identifiers: MedGen CN376801, MONDO:0958179, OMIM 605899.
Glycine encephalopathy. Also called: Nonketotic hyperglycinemia; Non-ketotic hyperglycinemia. Identifiers: Orphanet 407, MedGen C0751748, MONDO:0011612, HP:0008288.

Allele frequency attached by ClinVar (database versions not stated): TOPMed below 0.00001; gnomAD 0.00001; gnomAD exomes 0.00002.
gnomAD v4.1: 15 of 1,607,300 alleles (0.00093%); highest among the groups gnomAD compares: Middle Eastern, 0.016%; no homozygotes.

Submissions (2):

First Genomix Gene Laboratory, Genetic Diagnostics Department
Classification: Likely pathogenic for Glycine encephalopathy 1. Last evaluated: 2025-07-15. Review status: criteria provided, single submitter. Criteria: ACMG Guidelines, 2015. Collection method: clinical testing. Allele origin: germline. Inheritance: Autosomal recessive inheritance. Affected: no. Observed: 1 variant allele.

Labcorp Genetics (formerly Invitae), Labcorp
Classification: Likely pathogenic for Glycine encephalopathy. Last evaluated: 2023-06-14. Review status: criteria provided, single submitter. Criteria: Invitae Variant Classification Sherloc (09022015). Collection method: clinical testing. Allele origin: germline.
Comment: This sequence change replaces arginine, which is basic and polar, with glutamine, which is neutral and polar, at codon 962 of the GLDC protein (p.Arg962Gln). This variant is present in population databases (no rsID available, gnomAD 0.01%). This missense change has been observed in individual(s) with non-ketotic hyperglycinemia (PMID: 27362913). ClinVar contains an entry for this variant (Variation ID: 1507598). Advanced modeling of protein sequence and biophysical properties (such as structural, functional, and spatial information, amino acid conservation, physicochemical variation, residue mobility, and thermodynamic stability) performed at Invitae indicates that this missense variant is not expected to disrupt GLDC protein function. This variant disrupts the p.Arg962 amino acid residue in GLDC. Other variant(s) that disrupt this residue have been determined to be pathogenic (PMID: 27362913). This suggests that this residue is clinically significant, and that variants that disrupt this residue are likely to be disease-causing. In summary, the currently available evidence indicates that the variant is pathogenic, but additional data are needed to prove that conclusively. Therefore, this variant has been classified as Likely Pathogenic.

Literature cited by the submitters: PubMed 27362913 (cited by Labcorp Genetics (formerly Invitae), Labcorp).

NM_000170.3(GLDC):c.2885G>A (p.Arg962Gln)

Gene: GLDC (glycine decarboxylase; minus strand). Cytogenetic location: 9p24.1.
Variant type: single nucleotide variant.
Coding change: c.2885G>A on transcript NM_000170.3 (MANE Select); coding-DNA position 2885, G replaced by A.
Protein change: p.Arg962Gln; replaces arginine 962 with glutamine.
Molecular consequence: missense variant.
Genome position (GRCh38, 1-based): chr9:6,534,742, C>T on the plus strand (G>A on the coding strand, the complement: GLDC is on the minus strand). VCF-style: chr9-6534742-C-T. GRCh37 (hg19) VCF-style: chr9-6534742-C-T.
Other names: short protein forms R962Q.
Identifiers: ClinVar variation 1507598 (VCV001507598.9), dbSNP rs1452327155, ClinGen allele CA372882087.